The following is an entry in ClinVar:

NM_206933.4(USH2A):c.12653C>T (p.Thr4218Ile)

Gene: USH2A (usherin; minus strand). Cytogenetic location: 1q41.
Variant type: single nucleotide variant.
Coding change: c.12653C>T on transcript NM_206933.4 (MANE Select); coding-DNA position 12653, C replaced by T.
Protein change: p.Thr4218Ile; replaces threonine 4218 with isoleucine.
Molecular consequence: missense variant.
Genome position (GRCh38, 1-based): chr1:215,675,258, G>A on the plus strand (C>T on the coding strand, the complement: USH2A is on the minus strand). VCF-style: chr1-215675258-G-A. GRCh37 (hg19) VCF-style: chr1-215848600-G-A.
Other names: short protein forms T4218I.
Identifiers: ClinVar variation 1350541 (VCV001350541.6), dbSNP rs2102666585, ClinGen allele CA344850147.
Genomic context (GRCh38, chr1:215,675,258, plus strand): 5'-TATTCACACTGCGTCCATGGTTGCAAACCTGTGTCATTATACATAAATGTATTCCTTTCA[G>A]TGTTATATTCTGTGAAAACAATTTTCTCGTCGGCCTGGATTGTCTGATTTCCCCAAGCTT-3'
Protein context (NP_996816.3, residues 4208-4228): DEKIVFTEYN[Thr4218Ile]ERNTFMYNDT

ClinVar aggregate classification (germline): Uncertain significance (1 of 4 stars; one submission).

Submission:

Labcorp Genetics (formerly Invitae), Labcorp
Classification: Uncertain significance. Last evaluated: 2022-05-05. Review status: criteria provided, single submitter. Criteria: Invitae Variant Classification Sherloc (09022015). Collection method: clinical testing. Allele origin: germline.
Comment: Algorithms developed to predict the effect of missense changes on protein structure and function are either unavailable or do not agree on the potential impact of this missense change (SIFT: "Deleterious"; PolyPhen-2: "Benign"; Align-GVGD: "Class C65"). This variant has not been reported in the literature in individuals affected with USH2A-related conditions. This variant is not present in population databases (gnomAD no frequency). This sequence change replaces threonine, which is neutral and polar, with isoleucine, which is neutral and non-polar, at codon 4218 of the USH2A protein (p.Thr4218Ile). In summary, the available evidence is currently insufficient to determine the role of this variant in disease. Therefore, it has been classified as a Variant of Uncertain Significance.